The following is an entry in ClinVar:

ClinVar aggregate classification (germline): Uncertain significance (1 of 4 stars; one submission).

Conditions:
Arrhythmogenic right ventricular cardiomyopathy (ARVD). Also called: Arrhythmogenic right ventricular dysplasia; Cardiomyopathy, ARVC; Arrhythmogenic cardiomyopathy; Arrhythmogenic Right Ventricular Cardiomyopathy (ARVC). Identifiers: Orphanet 247, MedGen C0349788, MeSH D019571, MONDO:0016587. Disease mechanism: loss of function. Inheritance: Various modes of inheritance.

Allele frequency attached by ClinVar (database versions not stated): gnomAD exomes below 0.00001.
gnomAD v4.1: 2 of 1,614,166 alleles (0.00012%); highest among the groups gnomAD compares: Non-Finnish European, 0.00017%; no homozygotes.

Submission:

All of Us Research Program, National Institutes of Health
Classification: Uncertain significance for Arrhythmogenic right ventricular cardiomyopathy. Last evaluated: 2023-03-04. Review status: criteria provided, single submitter. Criteria: ACMG Guidelines, 2015. Collection method: clinical testing. Allele origin: germline. Inheritance: Autosomal dominant inheritance. Observed: 1 variant allele, 1 heterozygote.
Comment: This study involves interpretation of variants in research participants for the purpose of population health screening. Participant phenotype was not available at the time of variant classification. Additional details can be found in publication PMID: 35346344, PMCID: PMC8962531

NM_001943.5(DSG2):c.746C>T (p.Thr249Ile)

Gene: DSG2 (desmoglein 2; plus strand). Cytogenetic location: 18q12.1.
Variant type: single nucleotide variant.
Coding change: c.746C>T on transcript NM_001943.5 (MANE Select); coding-DNA position 746, C replaced by T.
Protein change: p.Thr249Ile; replaces threonine 249 with isoleucine.
Molecular consequence: missense variant.
Genome position (GRCh38, 1-based): chr18:31,524,503, C>T. VCF-style: chr18-31524503-C-T. GRCh37 (hg19) VCF-style: chr18-29104466-C-T.
Other names: short protein forms T249I.
Identifiers: ClinVar variation 3069547 (VCV003069547.1), dbSNP rs1289953165, ClinGen allele CA402135013.
Genomic context (GRCh38, chr18:31,524,503, plus strand): 5'-TGCAGGAACACAGCAGCTACACTTTGACAGTAGAAGCAAGAGATGGCAATGGAGAAGTTA[C>T]AGACAAACCTGTAAAACAAGCTCAAGTTCAGATTCGTATTTTGGATGTCAATGACAATAT-3'
Protein context (NP_001934.2, residues 239-259): VEARDGNGEV[Thr249Ile]DKPVKQAQVQ